The following is an entry in ClinVar:

ClinVar aggregate classification (germline): not provided (0 of 4 stars; one submission).

Allele frequency attached by ClinVar (database versions not stated): gnomAD 0.00002.

Submission:

GeneDx
No classification provided. Last evaluated: 2014-05-07. Review status: no classification provided. Criteria: GeneDx Variant Classification (06012015). Collection method: clinical testing. Allele origin: germline. Affected: yes.
Comment: Missense variants in the TTN gene are considered 'unclassified' if they are not previously reported in the literature and do not have >1% frequency in the population to be considered a polymorphism. Research indicates that truncating mutations in the TTN gene are expected to account for approximately 25% of familial and 18% of sporadic idiopathic DCM; however, truncating variants in the TTN gene have been reported in approximately 3% of reported control alleles. There has been little investigation into non-truncating variants. (Herman D et al. Truncations of titin causing dilated cardiomyopathy. N Eng J Med 366:619-628, 2012) The variant is found in CARDIOMYOPATHY panel(s).

NM_001267550.2(TTN):c.38278G>A (p.Glu12760Lys)

Gene: TTN (titin; minus strand). Cytogenetic location: 2q31.2.
Variant type: single nucleotide variant.
Coding change: c.38278G>A on transcript NM_001267550.2 (MANE Select); coding-DNA position 38278, G replaced by A.
Protein change: p.Glu12760Lys; replaces glutamic acid 12760 with lysine.
Molecular consequence: missense variant. On other transcripts: intron variant (5).
Genome position (GRCh38, 1-based): chr2:178,654,463, C>T on the plus strand (G>A on the coding strand, the complement: TTN is on the minus strand). VCF-style: chr2-178654463-C-T. GRCh37 (hg19) VCF-style: chr2-179519190-C-T.
Other names: p.E12760K:GAA>AAA; c.38278G>A (LRG_391t1); c.13283-12146G>A (NM_003319.4); c.13859-12146G>A (NM_133437.4); c.13658-12146G>A (NM_133432.3); c.31742-1922G>A (NM_133378.4); c.34523-1922G>A (NM_001256850.1); short protein forms E12760K.
Identifiers: ClinVar variation 202598 (VCV000202598.1), dbSNP rs794729419, ClinGen allele CA309707.